The following is an entry in ClinVar:

ClinVar aggregate classification (germline): Uncertain significance. Review status: criteria provided, multiple submitters, no conflicts (2 of 4 stars). 7 submissions from 6 submitters: Uncertain significance (7). Last evaluated 2025-06-30.

Conditions:
MKKS-related disorder. Also called: MKKS-related disorders; MKKS-related condition.
Inborn genetic diseases. Identifiers: MedGen C0950123, MeSH D030342.
McKusick-Kaufman syndrome (MKKS). Also called: HYDROMETROCOLPOS SYNDROME; HYDROMETROCOLPOS, POSTAXIAL POLYDACTYLY, AND CONGENITAL HEART MALFORMATION. Identifiers: Orphanet 2473, MedGen C0948368, MONDO:0009367, OMIM 236700.
Bardet-Biedl syndrome (BBS). Identifiers: Orphanet 110, MedGen C0752166, MONDO:0015229.
Bardet-Biedl syndrome 6 (BBS6). Identifiers: Orphanet 110, MedGen C1858054, MONDO:0011523, OMIM 605231.

Allele frequency attached by ClinVar (database versions not stated): TOPMed 0.00003; gnomAD 0.00004 and 0.00005; gnomAD exomes 0.00006 and 0.00010; ExAC 0.00007.
gnomAD v4.1: 108 of 1,613,858 alleles (0.0067%); highest among the groups gnomAD compares: Middle Eastern, 0.033%; 1 homozygote.

Submissions (7):

PreventionGenetics, part of Exact Sciences
Classification: Uncertain significance for MKKS-related condition. Last evaluated: 2025-06-30. Review status: criteria provided, single submitter. Criteria: ACMG Guidelines, 2015. Collection method: clinical testing. Allele origin: germline.
Comment: The MKKS c.463C>T variant is predicted to result in the amino acid substitution p.Arg155Cys. This variant has been reported as uncertain in an individual with Bardet-Biedl syndrome, who also harbored a homozygous variant in BBS1 (Nasser et al. 2022. PubMed ID: 35886001). Of note, an alternate missense change at the same amino acid position has been reported in the heterozygous state in an individual with Bardet-Biedl syndrome, but a second variant was not identified in this patient (c.464G>T; p.Arg155Leu; Slavotinek et al. 2002. PubMed ID: 12107442; Zaghloul et al. 2010. PubMed ID: 20498079). In addition, functional studies of the p.Arg155Leu variant have shown decreased protein function compared to the wild-type protein (Hirayama et al. 2008. PubMed ID: 18094050). However, at this time, the clinical significance of the c.463C>T (p.Arg155Cys) variant is uncertain due to the absence of conclusive functional and genetic evidence.

Blueprint Genetics
Classification: Uncertain significance. Last evaluated: 2024-11-20. Review status: criteria provided, single submitter. Criteria: ACMG Guidelines, 2015. Collection method: clinical testing. Allele origin: germline.

GeneDx
Classification: Uncertain significance. Last evaluated: 2024-06-06. Review status: criteria provided, single submitter. Criteria: GeneDx Variant Classification Process June 2021. Collection method: clinical testing. Allele origin: germline.
Comment: Identified in the heterozygous state in a patient with Bardet Biedl syndrome who also harbored a homozygous pathogenic variant in the BBS1 gene (PMID: 35886001); In silico analysis supports that this missense variant has a deleterious effect on protein structure/function; This variant is associated with the following publications: (PMID: 35886001)

Labcorp Genetics (formerly Invitae), Labcorp
Classification: Uncertain significance for McKusick-Kaufman syndrome; Bardet-Biedl syndrome. Last evaluated: 2022-09-19. Review status: criteria provided, single submitter. Criteria: Invitae Variant Classification Sherloc (09022015). Collection method: clinical testing. Allele origin: germline.
Comment: This sequence change replaces arginine, which is basic and polar, with cysteine, which is neutral and slightly polar, at codon 155 of the MKKS protein (p.Arg155Cys). This variant is present in population databases (rs755050269, gnomAD 0.03%). This variant has not been reported in the literature in individuals affected with MKKS-related conditions. ClinVar contains an entry for this variant (Variation ID: 337692). Algorithms developed to predict the effect of missense changes on protein structure and function (SIFT, PolyPhen-2, Align-GVGD) all suggest that this variant is likely to be tolerated. In summary, the available evidence is currently insufficient to determine the role of this variant in disease. Therefore, it has been classified as a Variant of Uncertain Significance.

Ambry Genetics
Classification: Uncertain significance for Inborn genetic diseases. Last evaluated: 2021-02-26. Review status: criteria provided, single submitter. Criteria: Ambry Variant Classification Scheme 2023. Collection method: clinical testing. Allele origin: germline.
Comment: The c.463C>T (p.R155C) alteration is located in exon 3 (coding exon 1) of the MKKS gene. This alteration results from a C to T substitution at nucleotide position 463, causing the arginine (R) at amino acid position 155 to be replaced by a cysteine (C). The p.R155C alteration is predicted to be tolerated by in silico analysis. Based on insufficient or conflicting evidence, the clinical significance of this alteration remains unclear.

Illumina Laboratory Services, Illumina
Classification: Uncertain significance for Bardet-Biedl syndrome 6. Last evaluated: 2018-01-13. Review status: criteria provided, single submitter. Criteria: ICSL Variant Classification Criteria 13 December 2019. Collection method: clinical testing. Allele origin: germline.

Illumina Laboratory Services, Illumina
Classification: Uncertain significance for McKusick-Kaufman syndrome. Last evaluated: 2018-01-13. Review status: criteria provided, single submitter. Criteria: ICSL Variant Classification Criteria 13 December 2019. Collection method: clinical testing. Allele origin: germline.

NM_170784.3(MKKS):c.463C>T (p.Arg155Cys)

Gene: MKKS (MKKS centrosomal shuttling protein; minus strand). Cytogenetic location: 20p12.2.
Variant type: single nucleotide variant.
Coding change: c.463C>T on transcript NM_170784.3 (MANE Select); coding-DNA position 463, C replaced by T.
Protein change: p.Arg155Cys; replaces arginine 155 with cysteine.
Molecular consequence: missense variant.
Genome position (GRCh38, 1-based): chr20:10,413,052, G>A on the plus strand (C>T on the coding strand, the complement: MKKS is on the minus strand). VCF-style: chr20-10413052-G-A. GRCh37 (hg19) VCF-style: chr20-10393700-G-A.
Other names: c.463C>T, p.Arg155Cys (NM_018848.3); c.463C>T (NM_018848.2); short protein forms R155C.
Identifiers: ClinVar variation 337692 (VCV000337692.13), dbSNP rs755050269, ClinGen allele CA9763677.